The following is an entry in ClinVar:

ClinVar aggregate classification (germline): Likely benign (0 of 4 stars; one submission).

Conditions:
HSPA9-related disorder. Also called: HSPA9-related condition.

gnomAD v4.1: 1 of 1,575,066 alleles (0.000063%); highest among the groups gnomAD compares: Non-Finnish European, 0.000086%; no homozygotes.

Submission:

PreventionGenetics, part of Exact Sciences
Classification: Likely benign for HSPA9-related condition. Last evaluated: 2019-08-30. Review status: no assertion criteria provided. Collection method: clinical testing. Allele origin: germline.
Comment: This variant is classified as likely benign based on ACMG/AMP sequence variant interpretation guidelines (Richards et al. 2015 PMID: 25741868, with internal and published modifications).

NM_004134.7(HSPA9):c.717-6T>A

Gene: HSPA9 (heat shock protein family A (Hsp70) member 9; minus strand). Cytogenetic location: 5q31.2.
Variant type: single nucleotide variant.
Coding change: c.717-6T>A on transcript NM_004134.7 (MANE Select); 6 bases into the intron before coding-DNA position 717, T replaced by A.
Molecular consequence: intron variant.
Genome position (GRCh38, 1-based): chr5:138,567,169, A>T on the plus strand (T>A on the coding strand, the complement: HSPA9 is on the minus strand). VCF-style: chr5-138567169-A-T. GRCh37 (hg19) VCF-style: chr5-137902858-A-T.
Identifiers: ClinVar variation 3038859 (VCV003038859.2), dbSNP rs1282522829, ClinGen allele CA2578420413.